The following is an entry in ClinVar:

NM_058216.3(RAD51C):c.129C>T (p.Pro43=)

Gene: RAD51C (RAD51 paralog C; plus strand). Cytogenetic location: 17q22.
Variant type: single nucleotide variant.
Coding change: c.129C>T on transcript NM_058216.3 (MANE Select); coding-DNA position 129, C replaced by T.
Protein change: p.Pro43=; no amino-acid change (proline 43 retained).
Molecular consequence: synonymous variant. On other transcripts: non-coding transcript variant (1).
Genome position (GRCh38, 1-based): chr17:58,692,772, C>T. VCF-style: chr17-58692772-C-T. GRCh37 (hg19) VCF-style: chr17-56770133-C-T.
Other names: c.129C>T, p.Pro43= (NM_002876.4, NM_058217.1).
Identifiers: ClinVar variation 1942450 (VCV001942450.6), dbSNP rs1555592066, ClinGen allele CA501074396.

ClinVar aggregate classification (germline): Benign/Likely benign. Review status: criteria provided, multiple submitters, no conflicts (2 of 4 stars). 2 submissions from 2 submitters: Benign (1); Likely benign (1). Last evaluated 2025-02-14.

Conditions:
Breast-ovarian cancer, familial, susceptibility to, 3. Also called: RAD51C-Related Breast/Ovarian Cancer. Identifiers: Orphanet 145, MedGen C3150659, MONDO:0013253, OMIM 613399.
Fanconi anemia complementation group O. Also called: RAD51C-Related Fanconi Anemia. Identifiers: Orphanet 84, MedGen C3150653, MONDO:0013248, OMIM 613390.

Submissions (2):

Myriad Genetics, Inc.
Classification: Benign for Breast-ovarian cancer, familial, susceptibility to, 3. Last evaluated: 2025-02-14. Review status: criteria provided, single submitter. Criteria: Myriad Autosomal Dominant, Autosomal Recessive and X-Linked Classification Criteria (2023). Collection method: clinical testing. Allele origin: unknown.
Comment: This variant is considered benign. This variant is a silent/synonymous amino acid change and it is not expected to impact splicing.

Labcorp Genetics (formerly Invitae), Labcorp
Classification: Likely benign for Fanconi anemia complementation group O. Last evaluated: 2024-10-16. Review status: criteria provided, single submitter. Criteria: Invitae Variant Classification Sherloc (09022015). Collection method: clinical testing. Allele origin: germline.